The following is an entry in ClinVar:

NM_005228.5(EGFR):c.2003T>G (p.Met668Arg)

Gene: EGFR (epidermal growth factor receptor; plus strand). Cytogenetic location: 7p11.2.
Variant type: single nucleotide variant.
Coding change: c.2003T>G on transcript NM_005228.5 (MANE Select); coding-DNA position 2003, T replaced by G.
Protein change: p.Met668Arg; replaces methionine 668 with arginine.
Molecular consequence: missense variant.
Genome position (GRCh38, 1-based): chr7:55,173,066, T>G. VCF-style: chr7-55173066-T-G. GRCh37 (hg19) VCF-style: chr7-55240759-T-G.
Other names: c.1868T>G, p.Met623Arg (NM_001346897.2, NM_001346899.2); c.2003T>G, p.Met668Arg (NM_001346898.2); c.1844T>G, p.Met615Arg (NM_001346900.2); c.1202T>G, p.Met401Arg (NM_001346941.2); short protein forms M401R, M615R, M623R, M668R.
Identifiers: ClinVar variation 4751858 (VCV004751858.1).

ClinVar aggregate classification (germline): Uncertain significance (1 of 4 stars; one submission).

Conditions:
EGFR-related lung cancer (EGFR). Identifiers: MedGen CN130014.

Submission:

Labcorp Genetics (formerly Invitae), Labcorp
Classification: Uncertain significance for EGFR-related lung cancer. Last evaluated: 2025-09-17. Review status: criteria provided, single submitter. Criteria: Invitae Variant Classification Sherloc (09022015). Collection method: clinical testing. Allele origin: germline.
Comment: This sequence change replaces methionine, which is neutral and non-polar, with arginine, which is basic and polar, at codon 668 of the EGFR protein (p.Met668Arg). This variant is not present in population databases (gnomAD no frequency). This variant has not been reported in the literature in individuals affected with EGFR-related conditions. Invitae Evidence Modeling of protein sequence and biophysical properties (such as structural, functional, and spatial information, amino acid conservation, physicochemical variation, residue mobility, and thermodynamic stability) indicates that this missense variant is not expected to disrupt EGFR protein function with a negative predictive value of 80%. In summary, the available evidence is currently insufficient to determine the role of this variant in disease. Therefore, it has been classified as a Variant of Uncertain Significance.